The following is an entry in ClinVar:

NM_015100.4(POGZ):c.3460G>A (p.Glu1154Lys)

Gene: POGZ (pogo transposable element derived with ZNF domain; minus strand). Cytogenetic location: 1q21.3.
Variant type: single nucleotide variant.
Coding change: c.3460G>A on transcript NM_015100.4 (MANE Select); coding-DNA position 3460, G replaced by A.
Protein change: p.Glu1154Lys; replaces glutamic acid 1154 with lysine.
Molecular consequence: missense variant.
Genome position (GRCh38, 1-based): chr1:151,405,575, C>T on the plus strand (G>A on the coding strand, the complement: POGZ is on the minus strand). VCF-style: chr1-151405575-C-T. GRCh37 (hg19) VCF-style: chr1-151378051-C-T.
Other names: c.3433G>A, p.Glu1145Lys (NM_001194937.2); c.3274G>A, p.Glu1092Lys (NM_001194938.2); c.3481G>A, p.Glu1161Lys (NM_001410860.1); c.3175G>A, p.Glu1059Lys (NM_145796.4); c.3301G>A, p.Glu1101Lys (NM_207171.2); short protein forms E1059K, E1092K, E1101K, E1145K, E1154K, E1161K.
Identifiers: ClinVar variation 2502003 (VCV002502003.1), dbSNP rs781439025, ClinGen allele CA341942774.

ClinVar aggregate classification (germline): Uncertain significance (1 of 4 stars; one submission).

Submission:

GeneDx
Classification: Uncertain significance. Last evaluated: 2022-10-31. Review status: criteria provided, single submitter. Criteria: GeneDx Variant Classification Process June 2021. Collection method: clinical testing. Allele origin: germline. Affected: yes.
Comment: Not observed at significant frequency in large population cohorts (gnomAD); In silico analysis supports that this missense variant does not alter protein structure/function; Has not been previously published as pathogenic or benign to our knowledge